The following is an entry in ClinVar:

ClinVar aggregate classification (germline): Uncertain significance. Review status: criteria provided, multiple submitters, no conflicts (2 of 4 stars). 4 submissions from 4 submitters: Uncertain significance (3). 1 of the submissions does not count toward it. Last evaluated 2024-11-25.

Conditions:
P3H1-related disorder. Also called: P3H1-related condition.
Inborn genetic diseases. Identifiers: MedGen C0950123, MeSH D030342.
Osteogenesis imperfecta type 8 (OI8). Identifiers: MedGen C1970458, MONDO:0012581, OMIM 610915.

Allele frequency attached by ClinVar (database versions not stated): gnomAD 0.00001; TOPMed 0.00001; gnomAD exomes 0.00002 and 0.00003; ExAC 0.00005.
gnomAD v4.1: 20 of 1,588,312 alleles (0.0013%); highest among the groups gnomAD compares: Non-Finnish European, 0.0016%; no homozygotes.

Submissions (4):

Ambry Genetics
Classification: Uncertain significance for Inborn genetic diseases. Last evaluated: 2024-11-25. Review status: criteria provided, single submitter. Criteria: Ambry Variant Classification Scheme 2023. Collection method: clinical testing. Allele origin: germline.

Genome-Nilou Lab
Classification: Uncertain significance for Osteogenesis imperfecta type 8. Last evaluated: 2023-04-11. Review status: criteria provided, single submitter. Criteria: ACMG Guidelines, 2015. Collection method: clinical testing. Allele origin: germline. Affected: no.

Labcorp Genetics (formerly Invitae), Labcorp
Classification: Uncertain significance for Osteogenesis imperfecta type 8. Last evaluated: 2022-08-23. Review status: criteria provided, single submitter. Criteria: Invitae Variant Classification Sherloc (09022015). Collection method: clinical testing. Allele origin: germline.
Comment: This sequence change replaces aspartic acid, which is acidic and polar, with histidine, which is basic and polar, at codon 704 of the P3H1 protein (p.Asp704His). This variant is present in population databases (rs775358603, gnomAD 0.004%). This variant has not been reported in the literature in individuals affected with P3H1-related conditions. ClinVar contains an entry for this variant (Variation ID: 1436993). Algorithms developed to predict the effect of missense changes on protein structure and function are either unavailable or do not agree on the potential impact of this missense change (SIFT: "Deleterious"; PolyPhen-2: "Possibly Damaging"; Align-GVGD: "Class C0"). In summary, the available evidence is currently insufficient to determine the role of this variant in disease. Therefore, it has been classified as a Variant of Uncertain Significance.

PreventionGenetics, part of Exact Sciences
Classification: Uncertain significance for P3H1-related condition. Last evaluated: 2024-05-19. Review status: no assertion criteria provided. Collection method: clinical testing. Allele origin: germline. Not counted in ClinVar's aggregate classification.
Comment: The P3H1 c.2110G>C variant is predicted to result in the amino acid substitution p.Asp704His. To our knowledge, this variant has not been reported in the literature. This variant is reported in 0.0044% of alleles in individuals of European (Non-Finnish) descent in gnomAD. At this time, the clinical significance of this variant is uncertain due to the absence of conclusive functional and genetic evidence.

NM_022356.4(P3H1):c.2110G>C (p.Asp704His)

Gene: P3H1 (prolyl 3-hydroxylase 1; minus strand). Cytogenetic location: 1p34.2.
Variant type: single nucleotide variant.
Coding change: c.2110G>C on transcript NM_022356.4 (MANE Select); coding-DNA position 2110, G replaced by C.
Protein change: p.Asp704His; replaces aspartic acid 704 with histidine.
Molecular consequence: missense variant. On other transcripts: 3 prime UTR variant (2).
Genome position (GRCh38, 1-based): chr1:42,746,798, C>G on the plus strand (G>C on the coding strand, the complement: P3H1 is on the minus strand). VCF-style: chr1-42746798-C-G. GRCh37 (hg19) VCF-style: chr1-43212469-C-G.
Other names: c.*35G>C (NM_001146289.2); c.*114G>C (NM_001243246.2); c.2110G>C (NM_022356.3); short protein forms D704H.
Identifiers: ClinVar variation 1436993 (VCV001436993.8), dbSNP rs775358603, ClinGen allele CA801521.
Genomic context (GRCh38, chr1:42,746,798, plus strand): 5'-ACTCTTGTGCAGGTTCGGGGGGGCCCTGCTGGGCATCCAGGGGCTGCTCCTGGGAGAGGT[C>G]CATCTCTTCTGGGCTGAAGAGCATCTTCACCAGGTCATCTGCCTGCACCCTGTCCTGCAA-3'
Protein context (NP_071751.3, residues 694-714): VKMLFSPEEM[Asp704His]LSQEQPLDAQ